The following is an entry in ClinVar:

NM_003126.4(SPTA1):c.6341T>A (p.Val2114Glu)

Gene: SPTA1 (spectrin alpha, erythrocytic 1; minus strand). Cytogenetic location: 1q23.1.
Variant type: single nucleotide variant.
Coding change: c.6341T>A on transcript NM_003126.4 (MANE Select); coding-DNA position 6341, T replaced by A.
Protein change: p.Val2114Glu; replaces valine 2114 with glutamic acid.
Molecular consequence: missense variant.
Genome position (GRCh38, 1-based): chr1:158,620,246, A>T on the plus strand (T>A on the coding strand, the complement: SPTA1 is on the minus strand). VCF-style: chr1-158620246-A-T. GRCh37 (hg19) VCF-style: chr1-158590036-A-T.
Other names: p.Val2114Glu; short protein forms V2114E.
Identifiers: ClinVar variation 2436328 (VCV002436328.4), dbSNP rs2526221373, ClinGen allele CA343018499.
Genomic context (GRCh38, chr1:158,620,246, plus strand): 5'-AGGTGCTTCCAGGTCCTTTCCAGCACCTCCACTGTTAACCAGGTATAAGGGCTGGAAGGC[A>T]CACCTAAGGCCTTAATCTGCTGGTCTAGCTCCAGCAAACATTTAAAGTCTGCTTGAGCCC-3'
Protein context (NP_003117.2, residues 2104-2124): ELDQQIKALG[Val2114Glu]PSSPYTWLTV

ClinVar aggregate classification (germline): Uncertain significance. Review status: criteria provided, multiple submitters, no conflicts (2 of 4 stars). 2 submissions from 2 submitters: Uncertain significance (2). Last evaluated 2023-05-05.

Submissions (2):

Mayo Clinic Laboratories, Mayo Clinic
Classification: Uncertain significance. Last evaluated: 2023-05-05. Review status: criteria provided, single submitter. Criteria: ACMG Guidelines, 2015. Collection method: clinical testing. Allele origin: germline. Observed: 1 variant allele.
Comment: BP4_strong, PM2

Revvity Omics, Revvity
Classification: Uncertain significance. Last evaluated: 2022-06-20. Review status: criteria provided, single submitter. Criteria: ACMG Guidelines, 2015. Collection method: clinical testing. Allele origin: germline.